The following is an entry in ClinVar:

ClinVar aggregate classification (germline): Uncertain significance (1 of 4 stars; one submission).

Submission:

Labcorp Genetics (formerly Invitae), Labcorp
Classification: Uncertain significance. Last evaluated: 2026-02-02. Review status: criteria provided, single submitter. Criteria: Invitae Variant Classification Sherloc (09022015). Collection method: clinical testing. Allele origin: germline.
Comment: This sequence change affects codon 246 of the COL18A1 mRNA. It is a 'silent' change, meaning that it does not change the encoded amino acid sequence of the COL18A1 protein. This variant also falls at the last nucleotide of exon 4, which is part of the consensus splice site for this exon. This variant is not present in population databases (gnomAD no frequency). This variant has not been reported in the literature in individuals affected with COL18A1-related conditions. ClinVar contains an entry for this variant (Variation ID: 1521596). Variants that disrupt the consensus splice site are a relatively common cause of aberrant splicing (PMID: 17576681, 9536098). Algorithms developed to predict the effect of sequence changes on RNA splicing suggest that this variant is not likely to affect RNA splicing. In summary, the available evidence is currently insufficient to determine the role of this variant in disease. Therefore, it has been classified as a Variant of Uncertain Significance.

Literature cited by the submitters: PubMed 17576681; PubMed 9536098.

NM_001379500.1(COL18A1):c.738G>A (p.Gly246=)

Gene: COL18A1 (collagen type XVIII alpha 1 chain; plus strand). Cytogenetic location: 21q22.3.
Variant type: single nucleotide variant.
Coding change: c.738G>A on transcript NM_001379500.1 (MANE Select); coding-DNA position 738, G replaced by A.
Protein change: p.Gly246=; no amino-acid change (glycine 246 retained).
Molecular consequence: synonymous variant.
Genome position (GRCh38, 1-based): chr21:45,473,981, G>A. VCF-style: chr21-45473981-G-A. GRCh37 (hg19) VCF-style: chr21-46893895-G-A.
Other names: c.1278G>A, p.Gly426= (NM_030582.4); c.1983G>A, p.Gly661= (NM_130444.3).
Identifiers: ClinVar variation 1521596 (VCV001521596.6), dbSNP rs1456000275, ClinGen allele CA512708593.